The following is an entry in ClinVar:

ClinVar aggregate classification (germline): Uncertain significance (1 of 4 stars; one submission).

Conditions:
Progressive myoclonic epilepsy type 8. Identifiers: Orphanet 424027, MedGen C5190825, MONDO:0014545, OMIM 616230.

Allele frequency attached by ClinVar (database versions not stated): gnomAD exomes 0.00001; TOPMed 0.00001.
gnomAD v4.1: 10 of 1,613,076 alleles (0.00062%); highest among the groups gnomAD compares: Admixed American, 0.0033%; no homozygotes.

Submission:

Labcorp Genetics (formerly Invitae), Labcorp
Classification: Uncertain significance for Progressive myoclonic epilepsy type 8. Last evaluated: 2024-06-15. Review status: criteria provided, single submitter. Criteria: Invitae Variant Classification Sherloc (09022015). Collection method: clinical testing. Allele origin: germline.
Comment: This sequence change replaces arginine, which is basic and polar, with tryptophan, which is neutral and slightly polar, at codon 146 of the CERS1 protein (p.Arg146Trp). This variant is present in population databases (no rsID available, gnomAD 0.006%). This variant has not been reported in the literature in individuals affected with CERS1-related conditions. ClinVar contains an entry for this variant (Variation ID: 970269). Advanced modeling of protein sequence and biophysical properties (such as structural, functional, and spatial information, amino acid conservation, physicochemical variation, residue mobility, and thermodynamic stability) performed at Invitae indicates that this missense variant is not expected to disrupt CERS1 protein function with a negative predictive value of 80%. In summary, the available evidence is currently insufficient to determine the role of this variant in disease. Therefore, it has been classified as a Variant of Uncertain Significance.

NM_021267.5(CERS1):c.436C>T (p.Arg146Trp)

Genes: CERS1 (ceramide synthase 1; minus strand), GDF1 (growth differentiation factor 1; minus strand). Cytogenetic location: 19p13.11.
Variant type: single nucleotide variant.
Coding change: c.436C>T on transcript NM_021267.5 (MANE Select); coding-DNA position 436, C replaced by T.
Protein change: p.Arg146Trp; replaces arginine 146 with tryptophan.
Molecular consequence: missense variant. On other transcripts: 5 prime UTR variant (2).
Genome position (GRCh38, 1-based): chr19:18,884,241, G>A on the plus strand (C>T on the coding strand, the complement: CERS1 is on the minus strand). VCF-style: chr19-18884241-G-A. GRCh37 (hg19) VCF-style: chr19-18995050-G-A.
Other names: c.142C>T, p.Arg48Trp (NM_001290265.2, NM_001387442.1, NM_001387443.1 and 2 more transcripts); c.436C>T, p.Arg146Trp (NM_001387439.1, NM_001387440.1, NM_001387441.1 and 1 more transcripts); c.-467C>T (NM_001387438.1); c.-887C>T (NM_001492.6); short protein forms R48W, R146W.
Identifiers: ClinVar variation 970269 (VCV000970269.5), dbSNP rs913223329, ClinGen allele CA306248981.